The following is an entry in ClinVar:

ClinVar aggregate classification (germline): Uncertain significance (1 of 4 stars; one submission).

Conditions:
Familial infantile myasthenia (CMS6). Also called: Congenital myasthenic syndrome type 6; MYASTHENIC SYNDROME, PRESYNAPTIC, CONGENITAL, ASSOCIATED WITH EPISODIC APNEA; MYASTHENIC SYNDROME, CONGENITAL, 6, PRESYNAPTIC. Identifiers: Orphanet 590, MedGen C0393929, MONDO:0009689, OMIM 254210.

Submission:

Labcorp Genetics (formerly Invitae), Labcorp
Classification: Uncertain significance for Familial infantile myasthenia. Last evaluated: 2022-10-10. Review status: criteria provided, single submitter. Criteria: Invitae Variant Classification Sherloc (09022015). Collection method: clinical testing. Allele origin: germline.
Comment: In summary, the available evidence is currently insufficient to determine the role of this variant in disease. Therefore, it has been classified as a Variant of Uncertain Significance. Advanced modeling of protein sequence and biophysical properties (such as structural, functional, and spatial information, amino acid conservation, physicochemical variation, residue mobility, and thermodynamic stability) performed at Invitae indicates that this missense variant is not expected to disrupt CHAT protein function. This variant has not been reported in the literature in individuals affected with CHAT-related conditions. This variant is not present in population databases (gnomAD no frequency). This sequence change replaces isoleucine, which is neutral and non-polar, with leucine, which is neutral and non-polar, at codon 620 of the CHAT protein (p.Ile620Leu).

NM_020549.5(CHAT):c.1858A>C (p.Ile620Leu)

Gene: CHAT (choline O-acetyltransferase; plus strand). Cytogenetic location: 10q11.23.
Variant type: single nucleotide variant.
Coding change: c.1858A>C on transcript NM_020549.5 (MANE Select); coding-DNA position 1858, A replaced by C.
Protein change: p.Ile620Leu; replaces isoleucine 620 with leucine.
Molecular consequence: missense variant.
Genome position (GRCh38, 1-based): chr10:49,662,663, A>C. VCF-style: chr10-49662663-A-C. GRCh37 (hg19) VCF-style: chr10-50870709-A-C.
Other names: c.1504A>C, p.Ile502Leu (NM_001142929.2, NM_001142934.2, NM_020984.4 and 2 more transcripts); c.1612A>C, p.Ile538Leu (NM_001142933.2); short protein forms I620L, I502L, I538L.
Identifiers: ClinVar variation 1721395 (VCV001721395.5), dbSNP rs2538892631, ClinGen allele CA376711383.